The following is an entry in ClinVar:

ClinVar aggregate classification (germline): Uncertain significance. Review status: criteria provided, single submitter (1 of 4 stars). 2 submissions from 2 submitters: Uncertain significance (1). 1 of the submissions does not count toward it. Last evaluated 2022-08-31.

Conditions:
MHC class II deficiency. Also called: BLS, TYPE II; Bare lymphocyte syndrome 2. Identifiers: Orphanet 572, MedGen C5447452, MONDO:0008855.

Allele frequency attached by ClinVar (database versions not stated): TOPMed below 0.00001; gnomAD 0.00001; gnomAD exomes 0.00001.
gnomAD v4.1: 5 of 1,614,088 alleles (0.00031%); highest among the groups gnomAD compares: Middle Eastern, 0.016%; no homozygotes.

Submissions (2):

Labcorp Genetics (formerly Invitae), Labcorp
Classification: Uncertain significance for MHC class II deficiency. Last evaluated: 2022-08-31. Review status: criteria provided, single submitter. Criteria: Invitae Variant Classification Sherloc (09022015). Collection method: clinical testing. Allele origin: germline.
Comment: This sequence change replaces arginine, which is basic and polar, with tryptophan, which is neutral and slightly polar, at codon 283 of the CIITA protein (p.Arg283Trp). This variant is present in population databases (no rsID available, gnomAD 0.006%). This variant has not been reported in the literature in individuals affected with CIITA-related conditions. ClinVar contains an entry for this variant (Variation ID: 1040851). Algorithms developed to predict the effect of missense changes on protein structure and function are either unavailable or do not agree on the potential impact of this missense change (SIFT: "Deleterious"; PolyPhen-2: "Probably Damaging"; Align-GVGD: "Class C0"). In summary, the available evidence is currently insufficient to determine the role of this variant in disease. Therefore, it has been classified as a Variant of Uncertain Significance.

Natera, Inc.
Classification: Uncertain significance for Bare lymphocyte syndrome type II. Last evaluated: 2020-05-07. Review status: no assertion criteria provided. Collection method: clinical testing. Allele origin: germline. Not counted in ClinVar's aggregate classification.

NM_000246.4(CIITA):c.847C>T (p.Arg283Trp)

Gene: CIITA (class II major histocompatibility complex transactivator; plus strand). Cytogenetic location: 16p13.13.
Variant type: single nucleotide variant.
Coding change: c.847C>T on transcript NM_000246.4 (MANE Select); coding-DNA position 847, C replaced by T.
Protein change: p.Arg283Trp; replaces arginine 283 with tryptophan.
Molecular consequence: missense variant. On other transcripts: non-coding transcript variant (1).
Genome position (GRCh38, 1-based): chr16:10,903,805, C>T. VCF-style: chr16-10903805-C-T. GRCh37 (hg19) VCF-style: chr16-10997662-C-T.
Other names: c.850C>T, p.Arg284Trp (NM_001286402.1, NM_001379332.1); c.700C>T, p.Arg234Trp (NM_001286403.2, NM_001379331.1); c.703C>T, p.Arg235Trp (NM_001379330.1); c.847C>T, p.Arg283Trp (NM_001379333.1); c.778C>T, p.Arg260Trp (NM_001379334.1); short protein forms R234W, R235W, R284W, R260W, R283W.
Identifiers: ClinVar variation 1040851 (VCV001040851.8), dbSNP rs556369319, ClinGen allele CA394729237.